The following is an entry in ClinVar:

ClinVar aggregate classification (germline): Uncertain significance (1 of 4 stars; one submission).

Allele frequency attached by ClinVar (database versions not stated): gnomAD 0.00001; TOPMed below 0.00001.
gnomAD v4.1: 5 of 1,610,150 alleles (0.00031%); highest among the groups gnomAD compares: Non-Finnish European, 0.00042%; no homozygotes.

Submission:

Laboratory for Molecular Medicine, Mass General Brigham Personalized Medicine
Classification: Uncertain significance. Last evaluated: 2018-06-26. Review status: criteria provided, single submitter. Criteria: LMM Criteria. Collection method: clinical testing. Allele origin: germline. Observed: 1 variant allele.
Comment: The p.Leu172Pro variant in MYO15A has not been previously reported in individual s with hearing loss and data from large population studies is insufficient to as sess the frequency of this variant. Computational prediction tools and conservat ion analysis suggest that the p.Leu172Pro variant may not impact the protein, th ough this information is not predictive enough to rule out pathogenicity. In sum mary, the clinical significance of the p.Leu172Pro variant is uncertain. ACMG/AM P Criteria applied: BP4.

NM_016239.4(MYO15A):c.515T>C (p.Leu172Pro)

Gene: MYO15A (myosin XVA; plus strand). Cytogenetic location: 17p11.2.
Variant type: single nucleotide variant.
Coding change: c.515T>C on transcript NM_016239.4 (MANE Select); coding-DNA position 515, T replaced by C.
Protein change: p.Leu172Pro; replaces leucine 172 with proline.
Molecular consequence: missense variant.
Genome position (GRCh38, 1-based): chr17:18,119,315, T>C. VCF-style: chr17-18119315-T-C. GRCh37 (hg19) VCF-style: chr17-18022629-T-C.
Other names: short protein forms L172P.
Identifiers: ClinVar variation 667273 (VCV000667273.4), dbSNP rs1222532998, ClinGen allele CA398573516.
Genomic context (GRCh38, chr17:18,119,315, plus strand): 5'-AACAGGCCACAGTGGACGCCTGGCTGCAGCGCTCGAGCTCCCGCATGGGCTCCCGCAAAC[T>C]CCCCTTCCCGTCGGGTGCCGAGATCCTGCGGCCTGGGGGCCGGCTCCGGAGGTTCCCCCG-3'
Protein context (NP_057323.3, residues 162-182): RSSSRMGSRK[Leu172Pro]PFPSGAEILR